The following is an entry in ClinVar:

ClinVar aggregate classification (germline): Uncertain significance. Review status: criteria provided, multiple submitters, no conflicts (2 of 4 stars). 4 submissions from 4 submitters: Uncertain significance (4). Last evaluated 2026-01-04.

Conditions:
Facial dysmorphism-immunodeficiency-livedo-short stature syndrome. Also called: Facial dysmorphism, immunodeficiency, livedo, and short stature; FILS syndrome. Identifiers: Orphanet 352712, MedGen C3554576, MONDO:0014058, OMIM 615139.
Colorectal cancer, susceptibility to, 12 (CRCS12). Also called: COLORECTAL CANCER, SUSCEPTIBILITY TO, ON CHROMOSOME 12q24. Identifiers: Orphanet 220460, MedGen C3554460, MONDO:0014038, OMIM 615083.
Intrauterine growth retardation, metaphyseal dysplasia, adrenal hypoplasia congenita, genital anomalies, and immunodeficiency. Also called: IMAGEI SYNDROME. Identifiers: MedGen C5193036, MONDO:0032684, OMIM 618336.
Hereditary cancer-predisposing syndrome. Also called: Hereditary Cancer Syndrome; Hereditary neoplastic syndrome; Neoplastic Syndromes, Hereditary; Tumor predisposition. Identifiers: Orphanet 140162, MedGen C0027672, MeSH D009386, MONDO:0015356.

Allele frequency attached by ClinVar (database versions not stated): gnomAD 0.00001; gnomAD exomes 0.00001 and 0.00002; TOPMed 0.00002; ExAC 0.00001.
gnomAD v4.1: 15 of 1,612,120 alleles (0.00093%); highest among the groups gnomAD compares: Middle Eastern, 0.017%; no homozygotes.

Submissions (4):

Labcorp Genetics (formerly Invitae), Labcorp
Classification: Uncertain significance. Last evaluated: 2026-01-04. Review status: criteria provided, single submitter. Criteria: Invitae Variant Classification Sherloc (09022015). Collection method: clinical testing. Allele origin: germline.
Comment: This sequence change replaces arginine, which is basic and polar, with tryptophan, which is neutral and slightly polar, at codon 1284 of the POLE protein (p.Arg1284Trp). This variant is present in population databases (rs753426630, gnomAD 0.02%). This variant has not been reported in the literature in individuals affected with POLE-related conditions. ClinVar contains an entry for this variant (Variation ID: 405763). Invitae Evidence Modeling of protein sequence and biophysical properties (such as structural, functional, and spatial information, amino acid conservation, physicochemical variation, residue mobility, and thermodynamic stability) has been performed for this missense variant. However, the output from this modeling did not meet the statistical confidence thresholds required to predict the impact of this variant on POLE protein function. In summary, the available evidence is currently insufficient to determine the role of this variant in disease. Therefore, it has been classified as a Variant of Uncertain Significance.

Ambry Genetics
Classification: Uncertain significance for Hereditary cancer-predisposing syndrome. Last evaluated: 2025-01-15. Review status: criteria provided, single submitter. Criteria: Ambry Variant Classification Scheme 2023. Collection method: clinical testing. Allele origin: germline.
Comment: The p.R1284W variant (also known as c.3850C>T), located in coding exon 31 of the POLE gene, results from a C to T substitution at nucleotide position 3850. The arginine at codon 1284 is replaced by tryptophan, an amino acid with dissimilar properties. This amino acid position is conserved. In addition, this alteration is predicted to be tolerated by in silico analysis. Based on the available evidence, the clinical significance of this variant remains unclear.

GeneDx
Classification: Uncertain significance. Last evaluated: 2022-03-04. Review status: criteria provided, single submitter. Criteria: GeneDx Variant Classification Process June 2021. Collection method: clinical testing. Allele origin: germline. Affected: yes.
Comment: Not observed at significant frequency in large population cohorts (gnomAD); In silico analysis supports that this missense variant has a deleterious effect on protein structure/function; Has not been previously published as pathogenic or benign to our knowledge

Fulgent Genetics
Classification: Uncertain significance for Colorectal cancer, susceptibility to, 12; Facial dysmorphism-immunodeficiency-livedo-short stature syndrome; Intrauterine growth retardation, metaphyseal dysplasia, adrenal hypoplasia congenita, genital anomalies, and immunodeficiency. Last evaluated: 2021-07-23. Review status: criteria provided, single submitter. Criteria: ACMG Guidelines, 2015. Collection method: clinical testing. Allele origin: unknown.

NM_006231.4(POLE):c.3850C>T (p.Arg1284Trp)

Gene: POLE (DNA polymerase epsilon, catalytic subunit; minus strand). Cytogenetic location: 12q24.33.
Variant type: single nucleotide variant.
Coding change: c.3850C>T on transcript NM_006231.4 (MANE Select); coding-DNA position 3850, C replaced by T.
Protein change: p.Arg1284Trp; replaces arginine 1284 with tryptophan.
Molecular consequence: missense variant.
Genome position (GRCh38, 1-based): chr12:132,649,461, G>A on the plus strand (C>T on the coding strand, the complement: POLE is on the minus strand). VCF-style: chr12-132649461-G-A. GRCh37 (hg19) VCF-style: chr12-133226047-G-A.
Other names: short protein forms R1284W.
Identifiers: ClinVar variation 405763 (VCV000405763.15), dbSNP rs753426630, ClinGen allele CA6893076.